The following is an entry in ClinVar:

ClinVar aggregate classification (germline): Uncertain significance. Review status: criteria provided, multiple submitters, no conflicts (2 of 4 stars). 2 submissions from 2 submitters: Uncertain significance (2). Last evaluated 2023-01-16.

Conditions:
Hereditary cancer-predisposing syndrome. Also called: Neoplastic Syndromes, Hereditary; Tumor predisposition; Hereditary Cancer Syndrome; Hereditary neoplastic syndrome. Identifiers: Orphanet 140162, MedGen C0027672, MeSH D009386, MONDO:0015356.
Tuberous sclerosis 2 (TSC2). Identifiers: Orphanet 805, MedGen C1860707, MONDO:0013199, OMIM 613254.

Submissions (2):

Labcorp Genetics (formerly Invitae), Labcorp
Classification: Uncertain significance for Tuberous sclerosis 2. Last evaluated: 2023-01-16. Review status: criteria provided, single submitter. Criteria: Invitae Variant Classification Sherloc (09022015). Collection method: clinical testing. Allele origin: germline.
Comment: In summary, the available evidence is currently insufficient to determine the role of this variant in disease. Therefore, it has been classified as a Variant of Uncertain Significance. Advanced modeling of protein sequence and biophysical properties (such as structural, functional, and spatial information, amino acid conservation, physicochemical variation, residue mobility, and thermodynamic stability) performed at Invitae indicates that this missense variant is not expected to disrupt TSC2 protein function. ClinVar contains an entry for this variant (Variation ID: 1745435). This variant has not been reported in the literature in individuals affected with TSC2-related conditions. This variant is not present in population databases (gnomAD no frequency). This sequence change replaces arginine, which is basic and polar, with serine, which is neutral and polar, at codon 1706 of the TSC2 protein (p.Arg1706Ser).

Ambry Genetics
Classification: Uncertain significance for Hereditary cancer-predisposing syndrome. Last evaluated: 2022-03-24. Review status: criteria provided, single submitter. Criteria: Ambry Variant Classification Scheme 2023. Collection method: clinical testing. Allele origin: germline.
Comment: The p.R1706S variant (also known as c.5116C>A), located in coding exon 39 of the TSC2 gene, results from a C to A substitution at nucleotide position 5116. The arginine at codon 1706 is replaced by serine, an amino acid with dissimilar properties. This amino acid position is conserved. In addition, this alteration is predicted to be deleterious by in silico analysis. Since supporting evidence is limited at this time, the clinical significance of this alteration remains unclear.

NM_000548.5(TSC2):c.5116C>A (p.Arg1706Ser)

Gene: TSC2 (TSC complex subunit 2; plus strand). Cytogenetic location: 16p13.3.
Variant type: single nucleotide variant.
Coding change: c.5116C>A on transcript NM_000548.5 (MANE Select); coding-DNA position 5116, C replaced by A.
Protein change: p.Arg1706Ser; replaces arginine 1706 with serine.
Molecular consequence: missense variant.
Genome position (GRCh38, 1-based): chr16:2,088,095, C>A. VCF-style: chr16-2088095-C-A. GRCh37 (hg19) VCF-style: chr16-2138096-C-A.
Other names: c.4915C>A, p.Arg1639Ser (NM_001077183.3); c.5047C>A, p.Arg1683Ser (NM_001114382.3); c.4807C>A, p.Arg1603Ser (NM_001318827.2); c.4771C>A, p.Arg1591Ser (NM_001318829.2); c.4384C>A, p.Arg1462Ser (NM_001318831.2); c.4948C>A, p.Arg1650Ser (NM_001318832.2); c.4918C>A, p.Arg1640Ser (NM_001363528.2); c.4984C>A, p.Arg1662Ser (NM_001370404.1); and 26 more; short protein forms R1214S, R1235S, R1439S, R1440S, R1482S, R1635S, R1639S, R1646S.
Identifiers: ClinVar variation 1745435 (VCV001745435.5), dbSNP rs45517391, ClinGen allele CA394312340.
Genomic context (GRCh38, chr16:2,088,095, plus strand): 5'-CAAGTCTCCCCAGACATGGAGGGCCTTGTGGACACCAGCGTGGCCAAGATCGTGTCTGAC[C>A]GCAACCTGCCCTTCGTGGCCCGCCAGATGGCCCTGCACGCAAATGTGAGTGGGGGTGGGT-3'
Protein context (NP_000539.2, residues 1696-1716): DTSVAKIVSD[Arg1706Ser]NLPFVARQMA